The following is an entry in ClinVar:

ClinVar aggregate classification (germline): Uncertain significance (1 of 4 stars; one submission).

Conditions:
Hypertrophic cardiomyopathy 26. Also called: Cardiomyopathy, familial hypertrophic, 26. Identifiers: Orphanet 75249, MedGen C4310749, MONDO:0014883, OMIM 617047.
Myofibrillar myopathy 5. Also called: Filaminopathy (type); FILAMINOPATHY, AUTOSOMAL DOMINANT. Identifiers: Orphanet 171445, MedGen C1836050, MONDO:0012289, OMIM 609524.
Distal myopathy with posterior leg and anterior hand involvement. Also called: WILLIAMS DISTAL MYOPATHY. Identifiers: Orphanet 63273, MedGen C3279722, MONDO:0013550, OMIM 614065.

Submission:

Labcorp Genetics (formerly Invitae), Labcorp
Classification: Uncertain significance for Distal myopathy with posterior leg and anterior hand involvement; Myofibrillar myopathy 5; Hypertrophic cardiomyopathy 26. Last evaluated: 2022-02-08. Review status: criteria provided, single submitter. Criteria: Invitae Variant Classification Sherloc (09022015). Collection method: clinical testing. Allele origin: germline.
Comment: In summary, the available evidence is currently insufficient to determine the role of this variant in disease. Therefore, it has been classified as a Variant of Uncertain Significance. Algorithms developed to predict the effect of missense changes on protein structure and function are either unavailable or do not agree on the potential impact of this missense change (SIFT: "Deleterious"; PolyPhen-2: "Possibly Damaging"; Align-GVGD: "Class C0"). This variant has not been reported in the literature in individuals affected with FLNC-related conditions. This variant is not present in population databases (gnomAD no frequency). This sequence change replaces arginine, which is basic and polar, with proline, which is neutral and non-polar, at codon 1313 of the FLNC protein (p.Arg1313Pro).

NM_001458.5(FLNC):c.3938G>C (p.Arg1313Pro)

Gene: FLNC (filamin C; plus strand). Cytogenetic location: 7q32.1.
Variant type: single nucleotide variant.
Coding change: c.3938G>C on transcript NM_001458.5 (MANE Select); coding-DNA position 3938, G replaced by C.
Protein change: p.Arg1313Pro; replaces arginine 1313 with proline.
Molecular consequence: missense variant.
Genome position (GRCh38, 1-based): chr7:128,846,137, G>C. VCF-style: chr7-128846137-G-C. GRCh37 (hg19) VCF-style: chr7-128486191-G-C.
Other names: c.3938G>C, p.Arg1313Pro (NM_001127487.2); short protein forms R1313P.
Identifiers: ClinVar variation 1506515 (VCV001506515.8), dbSNP rs199804244, ClinGen allele CA369198768.